The following is an entry in ClinVar:

ClinVar aggregate classification (germline): Uncertain significance. Review status: criteria provided, multiple submitters, no conflicts (2 of 4 stars). 3 submissions from 3 submitters: Uncertain significance (3). Last evaluated 2024-10-06.

Conditions:
Dilated cardiomyopathy 1JJ (CMD1JJ). Identifiers: Orphanet 154, MedGen C3808935, MONDO:0014095, OMIM 615235.
Cardiovascular phenotype. Identifiers: MedGen CN230736.

Allele frequency attached by ClinVar (database versions not stated): ExAC 0.00001; gnomAD exomes 0.00001 and 0.00002; TOPMed 0.00003; gnomAD 0.00005.
gnomAD v4.1: 16 of 1,613,958 alleles (0.00099%); highest among the groups gnomAD compares: Admixed American, 0.012%; no homozygotes.

Submissions (3):

Labcorp Genetics (formerly Invitae), Labcorp
Classification: Uncertain significance for Dilated cardiomyopathy 1JJ. Last evaluated: 2024-10-06. Review status: criteria provided, single submitter. Criteria: Invitae Variant Classification Sherloc (09022015). Collection method: clinical testing. Allele origin: germline.
Comment: This sequence change replaces arginine, which is basic and polar, with cysteine, which is neutral and slightly polar, at codon 1787 of the LAMA4 protein (p.Arg1787Cys). This variant is present in population databases (rs781802725, gnomAD 0.006%). This variant has not been reported in the literature in individuals affected with LAMA4-related conditions. ClinVar contains an entry for this variant (Variation ID: 505573). Invitae Evidence Modeling of protein sequence and biophysical properties (such as structural, functional, and spatial information, amino acid conservation, physicochemical variation, residue mobility, and thermodynamic stability) indicates that this missense variant is expected to disrupt LAMA4 protein function with a positive predictive value of 80%. In summary, the available evidence is currently insufficient to determine the role of this variant in disease. Therefore, it has been classified as a Variant of Uncertain Significance.

Ambry Genetics
Classification: Uncertain significance for Cardiovascular phenotype. Last evaluated: 2024-04-24. Review status: criteria provided, single submitter. Criteria: Ambry Variant Classification Scheme 2023. Collection method: clinical testing. Allele origin: germline.
Comment: The p.R1787C variant (also known as c.5359C>T), located in coding exon 38 of the LAMA4 gene, results from a C to T substitution at nucleotide position 5359. The arginine at codon 1787 is replaced by cysteine, an amino acid with highly dissimilar properties. This amino acid position is highly conserved in available vertebrate species. In addition, this alteration is predicted to be deleterious by in silico analysis. Based on the available evidence, the clinical significance of this variant remains unclear.

Laboratory for Molecular Medicine, Mass General Brigham Personalized Medicine
Classification: Uncertain significance. Last evaluated: 2017-01-20. Review status: criteria provided, single submitter. Criteria: LMM Criteria. Collection method: clinical testing. Allele origin: germline. Observed: 1 variant allele.
Comment: The p.Arg1787Cys variant in LAMA4 has not been previously reported in individual s with cardiomyopathy, but has been identified in 1/16508 South Asian chromosome s by the Exome Aggregation Consortium (ExAC; dbS NP rs781802725). Computational prediction tools and conservation analysis sugges t that the p.Arg1787Cys variant may impact the protein, though this information is not predictive enough to determine pathogenicity. In summary, the clinical si gnificance of the p.Arg1787Cys variant is uncertain.

NM_001105206.3(LAMA4):c.5380C>T (p.Arg1794Cys)

Gene: LAMA4 (laminin subunit alpha 4; minus strand). Cytogenetic location: 6q21.
Variant type: single nucleotide variant.
Coding change: c.5380C>T on transcript NM_001105206.3 (MANE Select); coding-DNA position 5380, C replaced by T.
Protein change: p.Arg1794Cys; replaces arginine 1794 with cysteine.
Molecular consequence: missense variant.
Genome position (GRCh38, 1-based): chr6:112,109,529, G>A on the plus strand (C>T on the coding strand, the complement: LAMA4 is on the minus strand). VCF-style: chr6-112109529-G-A. GRCh37 (hg19) VCF-style: chr6-112430732-G-A.
Other names: c.5359C>T, p.Arg1787Cys (NM_001105207.3, NM_002290.5); short protein forms R1787C, R1794C.
Identifiers: ClinVar variation 505573 (VCV000505573.12), dbSNP rs781802725, ClinGen allele CA3964726.
Genomic context (GRCh38, chr6:112,109,529, plus strand): 5'-CGCCGCTGACCAGGGCTGCTTTACTGAAGCTCACTGGGTGTCCATCAATCACAAAGTGGC[G>A]TATGCAGCCTGTGAAGGGTTTGCTGGGGGCCAAGCGTGGTGTCAGTAGAGATTCTGAAAA-3'
Protein context (NP_001098676.2, residues 1784-1804): APSKPFTGCI[Arg1794Cys]HFVIDGHPVS